The following is an entry in ClinVar:

ClinVar aggregate classification (germline): Uncertain significance (1 of 4 stars; one submission).

Conditions:
Hypertrophic cardiomyopathy 14. Identifiers: MedGen C2750467, MONDO:0013197, OMIM 613251.

gnomAD v4.1: 4 of 1,614,036 alleles (0.00025%); highest among the groups gnomAD compares: South Asian, 0.0044%; no homozygotes.

Submission:

Labcorp Genetics (formerly Invitae), Labcorp
Classification: Uncertain significance for Hypertrophic cardiomyopathy 14. Last evaluated: 2025-06-09. Review status: criteria provided, single submitter. Criteria: Invitae Variant Classification Sherloc (09022015). Collection method: clinical testing. Allele origin: germline.
Comment: This sequence change replaces arginine, which is basic and polar, with serine, which is neutral and polar, at codon 568 of the MYH6 protein (p.Arg568Ser). This variant is not present in population databases (gnomAD no frequency). This variant has not been reported in the literature in individuals affected with MYH6-related conditions. Invitae Evidence Modeling of protein sequence and biophysical properties (such as structural, functional, and spatial information, amino acid conservation, physicochemical variation, residue mobility, and thermodynamic stability) indicates that this missense variant is not expected to disrupt MYH6 protein function with a negative predictive value of 80%. In summary, the available evidence is currently insufficient to determine the role of this variant in disease. Therefore, it has been classified as a Variant of Uncertain Significance.

NM_002471.4(MYH6):c.1702C>A (p.Arg568Ser)

Gene: MYH6 (myosin heavy chain 6; minus strand). Cytogenetic location: 14q11.2.
Variant type: single nucleotide variant.
Coding change: c.1702C>A on transcript NM_002471.4 (MANE Select); coding-DNA position 1702, C replaced by A.
Protein change: p.Arg568Ser; replaces arginine 568 with serine.
Molecular consequence: missense variant.
Genome position (GRCh38, 1-based): chr14:23,398,917, G>T on the plus strand (C>A on the coding strand, the complement: MYH6 is on the minus strand). VCF-style: chr14-23398917-G-T. GRCh37 (hg19) VCF-style: chr14-23868126-G-T.
Other names: short protein forms R568S.
Identifiers: ClinVar variation 4798499 (VCV004798499.1).